The following is an entry in ClinVar:

NM_002292.4(LAMB2):c.704G>T (p.Arg235Leu)

Gene: LAMB2 (laminin subunit beta 2; minus strand). Cytogenetic location: 3p21.31.
Variant type: single nucleotide variant.
Coding change: c.704G>T on transcript NM_002292.4 (MANE Select); coding-DNA position 704, G replaced by T.
Protein change: p.Arg235Leu; replaces arginine 235 with leucine.
Molecular consequence: missense variant.
Genome position (GRCh38, 1-based): chr3:49,131,387, C>A on the plus strand (G>T on the coding strand, the complement: LAMB2 is on the minus strand). VCF-style: chr3-49131387-C-A. GRCh37 (hg19) VCF-style: chr3-49168820-C-A.
Other names: short protein forms R235L.
Identifiers: ClinVar variation 1441473 (VCV001441473.3), dbSNP rs767154519, ClinGen allele CA2394843.
Genomic context (GRCh38, chr3:49,131,387, plus strand): 5'-TAGTCCCTAGCCGGACACGGACTGTGCCAGACTCAAAGGGTGGAGCACTCACTCTGAATC[C>A]GTGAGCTGTAGGGGTCTGGGATAGGGATGGCAGGGTCCAGCACACGATAGATGACCTGGA-3'
Protein context (NP_002283.3, residues 225-245): AIPIPDPYSS[Arg235Leu]IQNLLKITNL

ClinVar aggregate classification (germline): Uncertain significance (1 of 4 stars; one submission).

Conditions:
Pierson syndrome. Also called: MICROCORIA-CONGENITAL NEPHROTIC SYNDROME. Identifiers: Orphanet 2670, MedGen C1836876, MONDO:0012184, OMIM 609049.
LAMB2-related infantile-onset nephrotic syndrome. Also called: NEPHROTIC SYNDROME, TYPE 5, WITHOUT OCULAR ABNORMALITIES; NEPHROTIC SYNDROME, TYPE 5, WITH OCULAR ABNORMALITIES; Nephrotic Syndrome, type 5. Identifiers: Orphanet 306507, MedGen C3280113, MONDO:0013621, OMIM 614199.

Allele frequency attached by ClinVar (database versions not stated): ExAC 0.00003.
gnomAD v4.1: 26 of 1,613,882 alleles (0.0016%); highest among the groups gnomAD compares: Admixed American, 0.005%; no homozygotes.

Submission:

Labcorp Genetics (formerly Invitae), Labcorp
Classification: Uncertain significance for LAMB2-related infantile-onset nephrotic syndrome; Pierson syndrome. Last evaluated: 2022-10-18. Review status: criteria provided, single submitter. Criteria: Invitae Variant Classification Sherloc (09022015). Collection method: clinical testing. Allele origin: germline.
Comment: This sequence change replaces arginine, which is basic and polar, with leucine, which is neutral and non-polar, at codon 235 of the LAMB2 protein (p.Arg235Leu). This variant is present in population databases (rs767154519, gnomAD 0.005%). This variant has not been reported in the literature in individuals affected with LAMB2-related conditions. ClinVar contains an entry for this variant (Variation ID: 1441473). Algorithms developed to predict the effect of missense changes on protein structure and function (SIFT, PolyPhen-2, Align-GVGD) all suggest that this variant is likely to be tolerated. In summary, the available evidence is currently insufficient to determine the role of this variant in disease. Therefore, it has been classified as a Variant of Uncertain Significance.